The following is an entry in ClinVar:

ClinVar aggregate classification (germline): Uncertain significance (1 of 4 stars; one submission).

Conditions:
Leber congenital amaurosis 13 (LCA13). Identifiers: MedGen C2675186, MONDO:0012990, OMIM 612712.

gnomAD v4.1: 5 of 1,597,826 alleles (0.00031%); highest among the groups gnomAD compares: Non-Finnish European, 0.00042%; no homozygotes.

Submission:

Labcorp Genetics (formerly Invitae), Labcorp
Classification: Uncertain significance for Leber congenital amaurosis 13. Last evaluated: 2024-06-25. Review status: criteria provided, single submitter. Criteria: Invitae Variant Classification Sherloc (09022015). Collection method: clinical testing. Allele origin: germline.
Comment: This sequence change replaces leucine, which is neutral and non-polar, with proline, which is neutral and non-polar, at codon 277 of the RDH12 protein (p.Leu277Pro). This variant is present in population databases (no rsID available, gnomAD 0.0009%). This variant has not been reported in the literature in individuals affected with RDH12-related conditions. Advanced modeling of protein sequence and biophysical properties (such as structural, functional, and spatial information, amino acid conservation, physicochemical variation, residue mobility, and thermodynamic stability) performed at Invitae indicates that this missense variant is not expected to disrupt RDH12 protein function with a negative predictive value of 80%. In summary, the available evidence is currently insufficient to determine the role of this variant in disease. Therefore, it has been classified as a Variant of Uncertain Significance.

NM_152443.3(RDH12):c.830T>C (p.Leu277Pro)

Genes: ZFYVE26 (zinc finger FYVE-type containing 26; minus strand), GPHN (gephyrin; plus strand), RDH12 (retinol dehydrogenase 12; plus strand). Cytogenetic location: 14q24.1.
Variant type: single nucleotide variant.
Coding change: c.830T>C on transcript NM_152443.3 (MANE Select); coding-DNA position 830, T replaced by C.
Protein change: p.Leu277Pro; replaces leucine 277 with proline.
Molecular consequence: missense variant.
Genome position (GRCh38, 1-based): chr14:67,729,362, T>C. VCF-style: chr14-67729362-T-C. GRCh37 (hg19) VCF-style: chr14-68196079-T-C.
Other names: short protein forms L277P.
Identifiers: ClinVar variation 3667741 (VCV003667741.2).